The following is an entry in ClinVar:

ClinVar aggregate classification (germline): Pathogenic. Review status: criteria provided, multiple submitters, no conflicts (2 of 4 stars). 2 submissions from 2 submitters: Pathogenic (2). Last evaluated 2024-06-15.

Conditions:
Breast-ovarian cancer, familial, susceptibility to, 1 (BROVCA1). Also called: BRCA1 Hereditary Breast and Ovarian Cancer; OVARIAN CANCER, SUSCEPTIBILITY TO. Identifiers: Orphanet 145, MedGen C2676676, MONDO:0011450, OMIM 604370. Disease mechanism: loss of function.
Hereditary cancer-predisposing syndrome. Also called: Hereditary Cancer Syndrome; Hereditary neoplastic syndrome; Neoplastic Syndromes, Hereditary; Tumor predisposition. Identifiers: Orphanet 140162, MedGen C0027672, MeSH D009386, MONDO:0015356.

Submissions (2):

Ambry Genetics
Classification: Pathogenic for Hereditary cancer-predisposing syndrome. Last evaluated: 2024-06-15. Review status: criteria provided, single submitter. Criteria: Ambry Variant Classification Scheme 2023. Collection method: clinical testing. Allele origin: germline.
Comment: The c.4883_4890delTGGAAGAA pathogenic mutation, located in coding exon 14 of the BRCA1 gene, results from a deletion of 8 nucleotides at nucleotide positions 4883 to 4890, causing a translational frameshift with a predicted alternate stop codon (p.M1628Kfs*48). This variant is considered to be rare based on population cohorts in the Genome Aggregation Database (gnomAD). This alteration is expected to result in loss of function by premature protein truncation or nonsense-mediated mRNA decay. As such, this alteration is interpreted as a disease-causing mutation.

Myriad Genetics, Inc.
Classification: Pathogenic for Breast-ovarian cancer, familial, susceptibility to, 1. Last evaluated: 2023-05-09. Review status: criteria provided, single submitter. Criteria: Myriad Autosomal Dominant, Autosomal Recessive and X-Linked Classification Criteria (2023). Collection method: clinical testing. Allele origin: unknown.
Comment: This variant is considered pathogenic. This variant creates a frameshift predicted to result in premature protein truncation.

NM_007294.4(BRCA1):c.4883_4890del (p.Met1628fs)

Gene: BRCA1 (BRCA1 DNA repair associated; minus strand). Cytogenetic location: 17q21.31.
Variant type: Deletion.
Coding change: c.4883_4890del on transcript NM_007294.4 (MANE Select); coding-DNA positions 4883 to 4890, 8 bases deleted (TGGAAGAA; older notation c.4883_4890delTGGAAGAA).
Protein change: p.Met1628fs; shifts the reading frame from methionine 1628.
Molecular consequence: frameshift variant. On other transcripts: intron variant (1).
Genome position (GRCh38, 1-based): chr17:43,071,024-43,071,031, TTCTTCCA deleted on the plus strand (TGGAAGAA on the coding strand, the reverse complement: BRCA1 is on the minus strand); deleting any 8 consecutive bases within chr17:43,071,024-43,071,033 gives the same sequence; the c. name uses the placement nearest the transcript's 3' end. VCF-style (leftmost placement, unchanged base first): chr17-43071023-TTTCTTCCA-T. GRCh37 (hg19) VCF-style: chr17-41223040-TTTCTTCCA-T.
Other names: c.4613_4620del, p.Met1538fs (NM_001407935.1, NM_001407936.1, NM_001407934.1); c.4760_4767del, p.Met1587fs (NM_001407937.1, NM_001407938.1, NM_001407664.1 and 6 more transcripts); c.4757_4764del, p.Met1586fs (NM_001407939.1, NM_001407940.1, NM_001407863.1 and 11 more transcripts); c.4754_4761del, p.Met1585fs (NM_001407941.1, NM_001407681.1, NM_001407682.1 and 6 more transcripts); c.4742_4749del, p.Met1581fs (NM_001407942.1, NM_001407692.1, NM_001407694.1 and 13 more transcripts); c.4739_4746del, p.Met1580fs (NM_001407943.1, NM_001407944.1, NM_001407945.1 and 21 more transcripts); c.4550_4557del, p.Met1517fs (NM_001407946.1, NM_001407947.1, NM_001407948.1 and 1 more transcripts); c.1574_1581del, p.Met525fs (NM_001407977.1, NM_001407978.1, NM_001407973.1 and 3 more transcripts); and 73 more; short protein forms M1331fs, M1332fs, M1459fs, M1474fs, M1499fs, M1500fs, M1501fs, M1515fs.
Identifiers: ClinVar variation 2583816 (VCV002583816.3), dbSNP rs2550905546, ClinGen allele CA2582342171.